The following is an entry in ClinVar:

NM_000257.4(MYH7):c.2230A>T (p.Lys744Ter)

Gene: MYH7 (myosin heavy chain 7; minus strand). Cytogenetic location: 14q11.2.
Variant type: single nucleotide variant.
Coding change: c.2230A>T on transcript NM_000257.4 (MANE Select); coding-DNA position 2230, A replaced by T.
Protein change: p.Lys744Ter; replaces lysine 744 with a stop codon.
Molecular consequence: nonsense.
Genome position (GRCh38, 1-based): chr14:23,425,751, T>A on the plus strand (A>T on the coding strand, the complement: MYH7 is on the minus strand). VCF-style: chr14-23425751-T-A. GRCh37 (hg19) VCF-style: chr14-23894960-T-A.
Other names: short protein forms K744*.
Identifiers: ClinVar variation 454351 (VCV000454351.5), dbSNP rs1230771917, ClinGen allele CA389048866.

ClinVar aggregate classification (germline): Uncertain significance (1 of 4 stars; one submission).

Conditions:
Hypertrophic cardiomyopathy. Also called: HYPERTROPHIC MYOCARDIOPATHY. Identifiers: Orphanet 217569, MedGen C0007194, MeSH D002312, MONDO:0005045, HP:0001639.

gnomAD v4.1: 2 of 1,613,990 alleles (0.00012%); highest among the groups gnomAD compares: Non-Finnish European, 0.00017%; no homozygotes.

Submission:

Labcorp Genetics (formerly Invitae), Labcorp
Classification: Uncertain significance for Hypertrophic cardiomyopathy. Last evaluated: 2017-02-25. Review status: criteria provided, single submitter. Criteria: Invitae Variant Classification Sherloc (09022015). Collection method: clinical testing. Allele origin: germline.
Comment: The current clinical and genetic evidence is not sufficient to establish whether loss-of-function variants in MYH7 cause disease. Therefore, this variant has been classified as a Variant of Uncertain Significance. While this particular variant has not been reported in the literature, loss-of-function variants in MYH7 are not necessarily pathogenic (PMID: 23274168), and the clinical significance of this variant is uncertain at this time. This sequence change creates a premature translational stop signal at codon 744 (p.Lys744*) of the MYH7 gene. It is expected to result in an absent or disrupted protein product.

Literature cited by the submitters: PubMed 23274168.